The following is an entry in ClinVar:

NM_182931.3(KMT2E):c.4357T>C (p.Ser1453Pro)

Gene: KMT2E (lysine methyltransferase 2E (inactive); plus strand). Cytogenetic location: 7q22.3.
Variant type: single nucleotide variant.
Coding change: c.4357T>C on transcript NM_182931.3 (MANE Select); coding-DNA position 4357, T replaced by C.
Protein change: p.Ser1453Pro; replaces serine 1453 with proline.
Molecular consequence: missense variant.
Genome position (GRCh38, 1-based): chr7:105,112,113, T>C. VCF-style: chr7-105112113-T-C. GRCh37 (hg19) VCF-style: chr7-104752560-T-C.
Other names: c.4231T>C, p.Ser1411Pro (NM_001410908.1); c.4357T>C, p.Ser1453Pro (NM_018682.4); short protein forms S1411P, S1453P.
Identifiers: ClinVar variation 5037177 (VCV005037177.1).

ClinVar aggregate classification (germline): Uncertain significance (1 of 4 stars; one submission).

Submission:

GeneDx
Classification: Uncertain significance. Last evaluated: 2026-04-16. Review status: criteria provided, single submitter. Criteria: GeneDx Variant Classification Process June 2021. Collection method: clinical testing. Allele origin: germline.
Comment: Not observed at significant frequency in large population cohorts (gnomAD); In silico analysis suggests that this missense variant does not alter protein structure/function; Has not been previously published as pathogenic or benign to our knowledge